The following is an entry in ClinVar:

ClinVar aggregate classification (germline): Uncertain significance. Review status: criteria provided, multiple submitters, no conflicts (2 of 4 stars). 2 submissions from 2 submitters: Uncertain significance (2). Last evaluated 2025-04-07.

Conditions:
Inborn genetic diseases. Identifiers: MedGen C0950123, MeSH D030342.

Allele frequency attached by ClinVar (database versions not stated): ExAC 0.00001; gnomAD 0.00001.
gnomAD v4.1: 5 of 1,613,964 alleles (0.00031%); highest among the groups gnomAD compares: Admixed American, 0.0067%; no homozygotes.

Submissions (2):

Ambry Genetics
Classification: Uncertain significance for Inborn genetic diseases. Last evaluated: 2025-04-07. Review status: criteria provided, single submitter. Criteria: Ambry Variant Classification Scheme 2023. Collection method: clinical testing. Allele origin: germline.

Labcorp Genetics (formerly Invitae), Labcorp
Classification: Uncertain significance. Last evaluated: 2022-10-27. Review status: criteria provided, single submitter. Criteria: Invitae Variant Classification Sherloc (09022015). Collection method: clinical testing. Allele origin: germline.
Comment: This variant has not been reported in the literature in individuals affected with FN1-related conditions. This variant is present in population databases (rs762963114, gnomAD 0.003%). This sequence change replaces glutamine, which is neutral and polar, with lysine, which is basic and polar, at codon 1041 of the FN1 protein (p.Gln1041Lys). Advanced modeling of protein sequence and biophysical properties (such as structural, functional, and spatial information, amino acid conservation, physicochemical variation, residue mobility, and thermodynamic stability) performed at Invitae indicates that this missense variant is not expected to disrupt FN1 protein function. In summary, the available evidence is currently insufficient to determine the role of this variant in disease. Therefore, it has been classified as a Variant of Uncertain Significance.

NM_212482.4(FN1):c.3121C>A (p.Gln1041Lys)

Gene: FN1 (fibronectin 1; minus strand). Cytogenetic location: 2q35.
Variant type: single nucleotide variant.
Coding change: c.3121C>A on transcript NM_212482.4 (MANE Select); coding-DNA position 3121, C replaced by A.
Protein change: p.Gln1041Lys; replaces glutamine 1041 with lysine.
Molecular consequence: missense variant.
Genome position (GRCh38, 1-based): chr2:215,404,521, G>T on the plus strand (C>A on the coding strand, the complement: FN1 is on the minus strand). VCF-style: chr2-215404521-G-T. GRCh37 (hg19) VCF-style: chr2-216269244-G-T.
Other names: c.3121C>A, p.Gln1041Lys (NM_001306129.2, NM_001306130.2, NM_001306131.2 and 13 more transcripts); c.3121C>A (NM_212482.1); short protein forms Q1041K.
Identifiers: ClinVar variation 2045744 (VCV002045744.5), dbSNP rs762963114, ClinGen allele CA2094796.